The following is an entry in ClinVar:

NM_001035.3(RYR2):c.8515-7A>G

Gene: RYR2 (ryanodine receptor 2; plus strand). Cytogenetic location: 1q43.
Variant type: single nucleotide variant.
Coding change: c.8515-7A>G on transcript NM_001035.3 (MANE Select); 7 bases into the intron before coding-DNA position 8515, A replaced by G.
Molecular consequence: intron variant.
Genome position (GRCh38, 1-based): chr1:237,667,876, A>G. VCF-style: chr1-237667876-A-G. GRCh37 (hg19) VCF-style: chr1-237831176-A-G.
Other names: c.8515-7A>G (LRG_402t1).
Identifiers: ClinVar variation 296736 (VCV000296736.19), dbSNP rs766622060, ClinGen allele CA087670.

ClinVar aggregate classification (germline): Conflicting classifications of pathogenicity. Review status: criteria provided, conflicting classifications (1 of 4 stars). 7 submissions from 6 submitters: Uncertain significance (1); Benign (4); Likely benign (2). Last evaluated 2026-02-03.

Conditions:
Catecholaminergic polymorphic ventricular tachycardia 1. Also called: VENTRICULAR TACHYCARDIA, CATECHOLAMINERGIC POLYMORPHIC, 1, WITH OR WITHOUT ATRIAL DYSFUNCTION AND/OR DILATED CARDIOMYOPATHY; RYR2-Related Catecholaminergic Polymorphic Ventricular Tachycardia; VENTRICULAR TACHYCARDIA, STRESS-INDUCED POLYMORPHIC 1. Identifiers: Orphanet 3286, MedGen C1631597, MONDO:0011484, OMIM 604772.
Catecholaminergic polymorphic ventricular tachycardia (CVPT). Also called: Catecholamine-induced polymorphic ventricular tachycardia. Identifiers: Orphanet 3286, MedGen C5574922, MONDO:0017990.
Cardiomyopathy (CMYO). Also called: Cardiomyopathies. Identifiers: Orphanet 167848, MedGen C0878544, MONDO:0004994, HP:0001638. Inheritance: Various modes of inheritance.
Arrhythmogenic right ventricular dysplasia 2. Identifiers: MedGen C1832931.

Allele frequency attached by ClinVar (database versions not stated): gnomAD exomes 0.00002 and 0.00010; gnomAD 0.00003; TOPMed 0.00006; ExAC 0.00026.
gnomAD v4.1: 30 of 1,566,316 alleles (0.0019%); highest among the groups gnomAD compares: East Asian, 0.061%; no homozygotes.

Submissions (7):

Labcorp Genetics (formerly Invitae), Labcorp
Classification: Benign for Catecholaminergic polymorphic ventricular tachycardia 1. Last evaluated: 2026-02-03. Review status: criteria provided, single submitter. Criteria: Invitae Variant Classification Sherloc (09022015). Collection method: clinical testing. Allele origin: germline.

Blueprint Genetics
Classification: Likely benign. Last evaluated: 2024-09-23. Review status: criteria provided, single submitter. Criteria: ACMG Guidelines, 2015. Collection method: clinical testing. Allele origin: germline.

Women's Health and Genetics/Laboratory Corporation of America, LabCorp
Classification: Benign. Last evaluated: 2023-08-19. Review status: criteria provided, single submitter. Criteria: LabCorp Variant Classification Summary - May 2015. Collection method: clinical testing. Allele origin: germline.

All of Us Research Program, National Institutes of Health
Classification: Benign for Catecholaminergic polymorphic ventricular tachycardia. Last evaluated: 2023-06-26. Review status: criteria provided, single submitter. Criteria: ACMG Guidelines, 2015. Collection method: clinical testing. Allele origin: germline. Inheritance: Autosomal dominant inheritance. Observed: 1 variant allele, 1 heterozygote.
Comment: This study involves interpretation of variants in research participants for the purpose of population health screening. Participant phenotype was not available at the time of variant classification. Additional details can be found in publication PMID: 35346344, PMCID: PMC8962531

Color Diagnostics, LLC DBA Color Health
Classification: Benign for Cardiomyopathy. Last evaluated: 2019-04-01. Review status: criteria provided, single submitter. Criteria: ACMG Guidelines, 2015. Collection method: clinical testing. Allele origin: germline.

Illumina Laboratory Services, Illumina
Classification: Uncertain significance for Catecholaminergic polymorphic ventricular tachycardia 1. Last evaluated: 2018-01-12. Review status: criteria provided, single submitter. Criteria: ICSL Variant Classification Criteria 13 December 2019. Collection method: clinical testing. Allele origin: germline.

Illumina Laboratory Services, Illumina
Classification: Likely benign for Catecholaminergic polymorphic ventricular tachycardia 1. Last evaluated: 2018-01-12. Review status: criteria provided, single submitter. Criteria: ICSL Variant Classification Criteria 13 December 2019. Collection method: clinical testing. Allele origin: germline.
Comment: This variant was observed in the ICSL laboratory as part of a predisposition screen in an ostensibly healthy population. It had not been previously curated by ICSL or reported in the Human Gene Mutation Database (HGMD: prior to June 1st, 2018), and was therefore a candidate for classification through an automated scoring system. Utilizing variant allele frequency, disease prevalence and penetrance estimates, and inheritance mode, an automated score was calculated to assess if this variant is too frequent to cause the disease. Based on the score and internal cut-off values, a variant classified as likely benign is not then subjected to further curation. The score for this variant resulted in a classification of likely benign for this disease.